The following is an entry in ClinVar:

ClinVar aggregate classification (germline): Uncertain significance (1 of 4 stars; one submission).

Conditions:
Long QT syndrome (LQTS). Identifiers: MedGen C0023976, MeSH D008133, MONDO:0002442. Disease mechanism: loss of function. Inheritance: Various modes of inheritance.

Submission:

Labcorp Genetics (formerly Invitae), Labcorp
Classification: Uncertain significance for Long QT syndrome. Last evaluated: 2022-04-23. Review status: criteria provided, single submitter. Criteria: Invitae Variant Classification Sherloc (09022015). Collection method: clinical testing. Allele origin: germline.
Comment: In summary, the available evidence is currently insufficient to determine the role of this variant in disease. Therefore, it has been classified as a Variant of Uncertain Significance. Algorithms developed to predict the effect of missense changes on protein structure and function output the following: SIFT: "Tolerated"; PolyPhen-2: "Benign"; Align-GVGD: "Class C0". The leucine amino acid residue is found in multiple mammalian species, which suggests that this missense change does not adversely affect protein function. This variant has not been reported in the literature in individuals affected with ANK2-related conditions. This variant is not present in population databases (gnomAD no frequency). This sequence change replaces valine, which is neutral and non-polar, with leucine, which is neutral and non-polar, at codon 3306 of the ANK2 protein (p.Val3306Leu).

NM_001148.6(ANK2):c.9916G>C (p.Val3306Leu)

Gene: ANK2 (ankyrin 2; plus strand). Cytogenetic location: 4q26.
Variant type: single nucleotide variant.
Coding change: c.9916G>C on transcript NM_001148.6 (MANE Select); coding-DNA position 9916, G replaced by C.
Protein change: p.Val3306Leu; replaces valine 3306 with leucine.
Molecular consequence: missense variant. On other transcripts: intron variant (68).
Genome position (GRCh38, 1-based): chr4:113,358,534, G>C. VCF-style: chr4-113358534-G-C. GRCh37 (hg19) VCF-style: chr4-114279690-G-C.
Other names: c.9682G>C, p.Val3228Leu (NM_001386142.1); c.6316G>C, p.Val2106Leu (NM_001386166.1); c.10057G>C, p.Val3353Leu (NM_001386174.1); c.10033G>C, p.Val3345Leu (NM_001386175.1); c.4412-2289G>C (NM_001386186.2, NM_001386148.2); c.4214-2289G>C (NM_001354269.3); c.4292-2289G>C (NM_001386187.2); c.4253-2289G>C (NM_001386147.1); and 35 more; short protein forms V2106L, V3306L, V3345L, V3353L, V3228L.
Identifiers: ClinVar variation 2129480 (VCV002129480.4), dbSNP rs200922244, ClinGen allele CA357939279.